The following is an entry in ClinVar:

NM_005263.5(GFI1):c.919T>G (p.Ser307Ala)

Gene: GFI1 (growth factor independent 1 transcriptional repressor; minus strand). Cytogenetic location: 1p22.1.
Variant type: single nucleotide variant.
Coding change: c.919T>G on transcript NM_005263.5 (MANE Select); coding-DNA position 919, T replaced by G.
Protein change: p.Ser307Ala; replaces serine 307 with alanine.
Molecular consequence: missense variant.
Genome position (GRCh38, 1-based): chr1:92,480,353, A>C on the plus strand (T>G on the coding strand, the complement: GFI1 is on the minus strand). VCF-style: chr1-92480353-A-C. GRCh37 (hg19) VCF-style: chr1-92945910-A-C.
Other names: c.919T>G, p.Ser307Ala (NM_001127215.3, NM_001127216.3); short protein forms S307A.
Identifiers: ClinVar variation 3632275 (VCV003632275.3).

ClinVar aggregate classification (germline): Uncertain significance. Review status: criteria provided, multiple submitters, no conflicts (2 of 4 stars). 2 submissions from 2 submitters: Uncertain significance (2). Last evaluated 2025-02-03.

Conditions:
Neutropenia, severe congenital, 2, autosomal dominant. Identifiers: Orphanet 486, MedGen C2751288, MONDO:0013139, OMIM 613107.

Submissions (2):

Ambry Genetics
Classification: Uncertain significance. Last evaluated: 2025-02-03. Review status: criteria provided, single submitter. Criteria: Ambry Variant Classification Scheme 2023. Collection method: clinical testing. Allele origin: germline.
Comment: The p.S307A variant (also known as c.919T>G), located in coding exon 4 of the GFI1 gene, results from a T to G substitution at nucleotide position 919. The serine at codon 307 is replaced by alanine, an amino acid with similar properties. This amino acid position is conserved. In addition, this alteration is predicted to be tolerated by in silico analysis. Based on the available evidence, the clinical significance of this variant remains unclear.

Labcorp Genetics (formerly Invitae), Labcorp
Classification: Uncertain significance for Neutropenia, severe congenital, 2, autosomal dominant. Last evaluated: 2024-08-28. Review status: criteria provided, single submitter. Criteria: Invitae Variant Classification Sherloc (09022015). Collection method: clinical testing. Allele origin: germline.
Comment: This sequence change replaces serine, which is neutral and polar, with alanine, which is neutral and non-polar, at codon 307 of the GFI1 protein (p.Ser307Ala). This variant is not present in population databases (gnomAD no frequency). This variant has not been reported in the literature in individuals affected with GFI1-related conditions. Invitae Evidence Modeling of protein sequence and biophysical properties (such as structural, functional, and spatial information, amino acid conservation, physicochemical variation, residue mobility, and thermodynamic stability) indicates that this missense variant is not expected to disrupt GFI1 protein function with a negative predictive value of 80%. In summary, the available evidence is currently insufficient to determine the role of this variant in disease. Therefore, it has been classified as a Variant of Uncertain Significance.